The following is an entry in ClinVar:

ClinVar aggregate classification (germline): Uncertain significance (1 of 4 stars; one submission).

Submission:

Labcorp Genetics (formerly Invitae), Labcorp
Classification: Uncertain significance. Last evaluated: 2025-04-07. Review status: criteria provided, single submitter. Criteria: Invitae Variant Classification Sherloc (09022015). Collection method: clinical testing. Allele origin: germline.
Comment: This sequence change replaces leucine, which is neutral and non-polar, with arginine, which is basic and polar, at codon 585 of the MSH3 protein (p.Leu585Arg). This variant is not present in population databases (gnomAD no frequency). This variant has not been reported in the literature in individuals affected with MSH3-related conditions. ClinVar contains an entry for this variant (Variation ID: 1442744). An algorithm developed to predict the effect of missense changes on protein structure and function (PolyPhen-2) suggests that this variant is likely to be tolerated. In summary, the available evidence is currently insufficient to determine the role of this variant in disease. Therefore, it has been classified as a Variant of Uncertain Significance.

NM_002439.5(MSH3):c.1754T>G (p.Leu585Arg)

Gene: MSH3 (mutS homolog 3; plus strand). Cytogenetic location: 5q14.1.
Variant type: single nucleotide variant.
Coding change: c.1754T>G on transcript NM_002439.5 (MANE Select); coding-DNA position 1754, T replaced by G.
Protein change: p.Leu585Arg; replaces leucine 585 with arginine.
Molecular consequence: missense variant.
Genome position (GRCh38, 1-based): chr5:80,744,606, T>G. VCF-style: chr5-80744606-T-G. GRCh37 (hg19) VCF-style: chr5-80040425-T-G.
Other names: short protein forms L585R.
Identifiers: ClinVar variation 1442744 (VCV001442744.6), dbSNP rs2112868997, ClinGen allele CA360274835.
Genomic context (GRCh38, chr5:80,744,606, plus strand): 5'-ACCACACTAAAACTTCATTTGGGAGACGGAAGTTAAAGAAGTGGGTGACCCAGCCACTCC[T>G]TAAATTAAGGTAAAAGGAATTCTTTTTGGGGTGTTTAATCTGAAATTATAAAATTTTGAA-3'
Protein context (NP_002430.3, residues 575-595): KLKKWVTQPL[Leu585Arg]KLREINARLD